The following is an entry in ClinVar:

NM_001363711.2(DUOX2):c.1921G>T (p.Glu641Ter)

Gene: DUOX2 (dual oxidase 2; minus strand). Cytogenetic location: 15q21.1.
Variant type: single nucleotide variant.
Coding change: c.1921G>T on transcript NM_001363711.2 (MANE Select); coding-DNA position 1921, G replaced by T.
Protein change: p.Glu641Ter; replaces glutamic acid 641 with a stop codon.
Molecular consequence: nonsense.
Genome position (GRCh38, 1-based): chr15:45,106,552, C>A on the plus strand (G>T on the coding strand, the complement: DUOX2 is on the minus strand). VCF-style: chr15-45106552-C-A. GRCh37 (hg19) VCF-style: chr15-45398750-C-A.
Other names: c.1921G>T, p.Glu641Ter (NM_014080.5); short protein forms E641*.
Identifiers: ClinVar variation 2780298 (VCV002780298.5), dbSNP rs139161034, ClinGen allele CA392273705.

ClinVar aggregate classification (germline): Pathogenic/Likely pathogenic. Review status: criteria provided, multiple submitters, no conflicts (2 of 4 stars). 2 submissions from 2 submitters: Pathogenic (1); Likely pathogenic (1). Last evaluated 2023-01-13.

Conditions:
Thyroid dyshormonogenesis 6 (TDH6). Also called: Genetic transient congenital hypothyroidism; THYROID HORMONOGENESIS, GENETIC DEFECT IN, 6; HYPOTHYROIDISM, CONGENITAL, DUE TO DYSHORMONOGENESIS, 6. Identifiers: Orphanet 226316, Orphanet 95716, MedGen C1846632, MONDO:0011792, OMIM 607200.

Submissions (2):

Labcorp Genetics (formerly Invitae), Labcorp
Classification: Pathogenic. Last evaluated: 2023-01-13. Review status: criteria provided, single submitter. Criteria: Invitae Variant Classification Sherloc (09022015). Collection method: clinical testing. Allele origin: germline.
Comment: For these reasons, this variant has been classified as Pathogenic. Algorithms developed to predict the effect of sequence changes on RNA splicing suggest that this variant may create or strengthen a splice site. This premature translational stop signal has been observed in individual(s) with congenital hypothyroidism (PMID: 33631011). This variant is not present in population databases (gnomAD no frequency). This sequence change creates a premature translational stop signal (p.Glu641*) in the DUOX2 gene. It is expected to result in an absent or disrupted protein product. Loss-of-function variants in DUOX2 are known to be pathogenic (PMID: 12110737, 18765513, 21565790, 24423310, 24735383).

Juno Genomics, Hangzhou Juno Genomics, Inc
Classification: Likely pathogenic for Thyroid dyshormonogenesis 6. Review status: criteria provided, single submitter. Criteria: ACMG Guidelines, 2015. Collection method: clinical testing. Allele origin: germline.
Comment: Null variant in a gene where loss of function (LOF) is a known mechanism of disease.;Absent from controls (or at extremely low frequency if recessive) in Genome Aggregation Database.

Literature cited by the submitters: PubMed 33631011 (cited by Labcorp Genetics (formerly Invitae), Labcorp); PubMed 12110737 (cited by Labcorp Genetics (formerly Invitae), Labcorp); PubMed 18765513 (cited by Labcorp Genetics (formerly Invitae), Labcorp); PubMed 21565790 (cited by Labcorp Genetics (formerly Invitae), Labcorp); PubMed 24423310 (cited by Labcorp Genetics (formerly Invitae), Labcorp); PubMed 24735383 (cited by Labcorp Genetics (formerly Invitae), Labcorp).